The following is an entry in ClinVar:

ClinVar aggregate classification (germline): Likely benign. Review status: criteria provided, single submitter (1 of 4 stars). 2 submissions from 2 submitters: Likely benign (1). 1 of the submissions does not count toward it. Last evaluated 2024-12-22.

Conditions:
Generalized epilepsy with febrile seizures plus, type 9 (GEFSP9). Also called: GEFS+, TYPE 9. Identifiers: Orphanet 36387, MedGen C4015395, MONDO:0014517, OMIM 616172.
STX1B-related disorder. Also called: STX1B-related condition.

gnomAD v4.1: 6 of 1,610,512 alleles (0.00037%); highest among the groups gnomAD compares: South Asian, 0.0067%; no homozygotes.

Submissions (2):

Labcorp Genetics (formerly Invitae), Labcorp
Classification: Likely benign for Generalized epilepsy with febrile seizures plus, type 9. Last evaluated: 2024-12-22. Review status: criteria provided, single submitter. Criteria: Invitae Variant Classification Sherloc (09022015). Collection method: clinical testing. Allele origin: germline.

PreventionGenetics, part of Exact Sciences
Classification: Likely benign for STX1B-related condition. Last evaluated: 2019-04-05. Review status: no assertion criteria provided. Collection method: clinical testing. Allele origin: germline. Not counted in ClinVar's aggregate classification.
Comment: This variant is classified as likely benign based on ACMG/AMP sequence variant interpretation guidelines (Richards et al. 2015 PMID: 25741868, with internal and published modifications).

NM_052874.5(STX1B):c.312G>T (p.Gly104=)

Gene: STX1B (syntaxin 1B; minus strand). Cytogenetic location: 16p11.2.
Variant type: single nucleotide variant.
Coding change: c.312G>T on transcript NM_052874.5 (MANE Select); coding-DNA position 312, G replaced by T.
Protein change: p.Gly104=; no amino-acid change (glycine 104 retained).
Molecular consequence: synonymous variant.
Genome position (GRCh38, 1-based): chr16:30,997,544, C>A on the plus strand (G>T on the coding strand, the complement: STX1B is on the minus strand). VCF-style: chr16-30997544-C-A. GRCh37 (hg19) VCF-style: chr16-31008865-C-A.
Identifiers: ClinVar variation 744541 (VCV000744541.12), dbSNP rs766362162, ClinGen allele CA8018410.
Genomic context (GRCh38, chr16:30,997,544, plus strand): 5'-TGGGCTGCCGCCTCCTACCTGGGTCTTGCGGATGCGCAGGTCCGCGGAGGAACGGTTCAG[C>A]CCCTCCTCCTGTTCAATGCTTTGCTCGATCGCTGCGGGAGAGAGGGCGCAGCGATGGGCG-3'
Protein context (NP_443106.1, residues 94-114): AIEQSIEQEE[Gly104=]LNRSSADLRI